The following is an entry in ClinVar:

ClinVar aggregate classification (germline): Uncertain significance (1 of 4 stars; one submission).

Conditions:
Hereditary cancer-predisposing syndrome. Also called: Neoplastic Syndromes, Hereditary; Tumor predisposition; Hereditary Cancer Syndrome; Hereditary neoplastic syndrome. Identifiers: Orphanet 140162, MedGen C0027672, MeSH D009386, MONDO:0015356.

Submission:

Ambry Genetics
Classification: Uncertain significance for Hereditary cancer-predisposing syndrome. Last evaluated: 2026-04-12. Review status: criteria provided, single submitter. Criteria: Ambry Variant Classification Scheme 2023. Collection method: clinical testing. Allele origin: germline.
Comment: The p.E266G variant (also known as c.797A>G), located in coding exon 6 of the PTCH1 gene, results from an A to G substitution at nucleotide position 797. The glutamic acid at codon 266 is replaced by glycine, an amino acid with similar properties. This amino acid position is conserved. In addition, the in silico prediction for this alteration is inconclusive. Based on the available evidence, the clinical significance of this variant remains unclear.

NM_000264.5(PTCH1):c.797A>G (p.Glu266Gly)

Gene: PTCH1 (patched 1; minus strand). Cytogenetic location: 9q22.32.
Variant type: single nucleotide variant.
Coding change: c.797A>G on transcript NM_000264.5 (MANE Select); coding-DNA position 797, A replaced by G.
Protein change: p.Glu266Gly; replaces glutamic acid 266 with glycine.
Molecular consequence: missense variant. On other transcripts: non-coding transcript variant (1).
Genome position (GRCh38, 1-based): chr9:95,480,538, T>C on the plus strand (A>G on the coding strand, the complement: PTCH1 is on the minus strand). VCF-style: chr9-95480538-T-C. GRCh37 (hg19) VCF-style: chr9-98242820-T-C.
Other names: c.794A>G, p.Glu265Gly (NM_001083603.3); c.344A>G, p.Glu115Gly (NM_001083604.3, NM_001083605.3, NM_001083606.3 and 1 more transcripts); c.797A>G, p.Glu266Gly (NM_001354918.2); c.599A>G, p.Glu200Gly (NM_001083602.3); short protein forms E115G, E200G, E265G, E266G.
Identifiers: ClinVar variation 4862665 (VCV004862665.1).